The following is an entry in ClinVar:

NM_000096.4(CP):c.1409C>T (p.Ala470Val)

Gene: CP (ceruloplasmin; minus strand). Cytogenetic location: 3q24.
Variant type: single nucleotide variant.
Coding change: c.1409C>T on transcript NM_000096.4 (MANE Select); coding-DNA position 1409, C replaced by T.
Protein change: p.Ala470Val; replaces alanine 470 with valine.
Molecular consequence: missense variant. On other transcripts: non-coding transcript variant (1).
Genome position (GRCh38, 1-based): chr3:149,199,804, G>A on the plus strand (C>T on the coding strand, the complement: CP is on the minus strand). VCF-style: chr3-149199804-G-A. GRCh37 (hg19) VCF-style: chr3-148917591-G-A.
Other names: short protein forms A470V.
Identifiers: ClinVar variation 1469607 (VCV001469607.6), dbSNP rs1460879036, ClinGen allele CA354908904.

ClinVar aggregate classification (germline): Uncertain significance (1 of 4 stars; one submission).

Conditions:
Deficiency of ferroxidase (ACEP). Also called: NEURODEGENERATION WITH BRAIN IRON ACCUMULATION 10; Aceruloplasminemia; Deficiency of ceruloplasmin; Ceruloplasmin deficiency; Familial apoceruloplasmin deficiency; Hereditary ceruloplasmin deficiency. Identifiers: Orphanet 48818, MedGen C0878682, MONDO:0011426, OMIM 604290, HP:0025498.

Allele frequency attached by ClinVar (database versions not stated): gnomAD exomes below 0.00001; TOPMed 0.00001.
gnomAD v4.1: 6 of 1,614,078 alleles (0.00037%); highest among the groups gnomAD compares: Admixed American, 0.0067%; no homozygotes.

Submission:

Labcorp Genetics (formerly Invitae), Labcorp
Classification: Uncertain significance for Deficiency of ferroxidase. Last evaluated: 2021-10-09. Review status: criteria provided, single submitter. Criteria: Invitae Variant Classification Sherloc (09022015). Collection method: clinical testing. Allele origin: germline.
Comment: In summary, the available evidence is currently insufficient to determine the role of this variant in disease. Therefore, it has been classified as a Variant of Uncertain Significance. Algorithms developed to predict the effect of missense changes on protein structure and function (SIFT, PolyPhen-2, Align-GVGD) all suggest that this variant is likely to be tolerated. This variant has not been reported in the literature in individuals affected with CP-related conditions. This variant is not present in population databases (ExAC no frequency). This sequence change replaces alanine with valine at codon 470 of the CP protein (p.Ala470Val). The alanine residue is weakly conserved and there is a small physicochemical difference between alanine and valine.